The following is an entry in ClinVar:

NM_014495.4(ANGPTL3):c.1198+1del

Genes: ANGPTL3 (angiopoietin like 3; plus strand), DOCK7 (dedicator of cytokinesis 7; minus strand). Cytogenetic location: 1p31.3.
Variant type: Deletion.
Coding change: c.1198+1del on transcript NM_014495.4 (MANE Select); the canonical splice donor site of the intron after coding-DNA position 1198, one base deleted (G; older notation c.1198+1delG).
Molecular consequence: splice donor variant. On other transcripts: intron variant (7).
Genome position (GRCh38, 1-based): chr1:62,604,236, G deleted; the last of 2 consecutive G bases (chr1:62,604,235-62,604,236); deleting either gives the same sequence. VCF-style (leftmost placement, unchanged base first): chr1-62604234-AG-A. GRCh37 (hg19) VCF-style: chr1-63069905-AG-A.
Other names: c.1682+14471del (NM_001272001.2, NM_001272000.2, NM_033407.4 and 4 more transcripts).
Identifiers: ClinVar variation 4850335 (VCV004850335.1).
Genomic context (GRCh38, chr1:62,604,234, plus strand): 5'-GGTGTTTTCTACTTGGGATCACAAAGCAAAAGGACACTTCAACTGTCCAGAGGGTTATTC[AG>A]GTATCTTTTTCTGATACCAATACTTTATTTTCATATCTTCAAAGTATCTTCCCACATTAT-3'

ClinVar aggregate classification (germline): Likely pathogenic (1 of 4 stars; one submission).

Conditions:
Familial hypobetalipoproteinemia 2. Also called: HYPOLIPIDEMIA, FAMILIAL, COMBINED. Identifiers: MedGen C1857970, MONDO:0011505, OMIM 605019.

Submission:

First Genomix Gene Laboratory, Genetic Diagnostics Department
Classification: Likely pathogenic for Familial hypobetalipoproteinemia 2. Last evaluated: 2025-09-16. Review status: criteria provided, single submitter. Criteria: ACMG Guidelines, 2015. Collection method: clinical testing. Allele origin: germline. Inheritance: Autosomal recessive inheritance. Affected: no. Observed: 1 variant allele.